The following is an entry in ClinVar:

NM_000548.5(TSC2):c.5069-9T>C

Gene: TSC2 (TSC complex subunit 2; plus strand). Cytogenetic location: 16p13.3.
Variant type: single nucleotide variant.
Coding change: c.5069-9T>C on transcript NM_000548.5 (MANE Select); 9 bases into the intron before coding-DNA position 5069, T replaced by C.
Molecular consequence: intron variant.
Genome position (GRCh38, 1-based): chr16:2,088,039, T>C. VCF-style: chr16-2088039-T-C. GRCh37 (hg19) VCF-style: chr16-2138040-T-C.
Other names: c.3527-9T>C (NM_001406693.1, NM_001406692.1, NM_001406694.1); c.4961-9T>C (NM_001406667.1); c.4958-9T>C (NM_001406668.1); c.4469-9T>C (NM_001406680.1); c.4400-9T>C (NM_001406683.1, NM_001406682.1); c.4268-9T>C (NM_001406687.1, NM_001406688.1); c.3656-9T>C (NM_001406689.1); c.3596-9T>C (NM_001406690.1); and 26 more.
Identifiers: ClinVar variation 3074976 (VCV003074976.1), dbSNP rs1338116109, ClinGen allele CA718904495.

ClinVar aggregate classification (germline): Likely benign (1 of 4 stars; one submission).

Conditions:
Tuberous sclerosis syndrome (TSC). Also called: Tuberous Sclerosis Complex; Tuberous sclerosis. Identifiers: Orphanet 805, MedGen C0041341, MONDO:0001734.

Allele frequency attached by ClinVar (database versions not stated): TOPMed 0.00001.

Submission:

All of Us Research Program, National Institutes of Health
Classification: Likely benign for Tuberous sclerosis syndrome. Last evaluated: 2023-12-13. Review status: criteria provided, single submitter. Criteria: ACMG Guidelines, 2015. Collection method: clinical testing. Allele origin: germline. Inheritance: Autosomal dominant inheritance. Observed: 1 variant allele, 1 heterozygote.
Comment: This study involves interpretation of variants in research participants for the purpose of population health screening. Participant phenotype was not available at the time of variant classification. Additional details can be found in publication PMID: 35346344, PMCID: PMC8962531